The following is an entry in ClinVar:

ClinVar aggregate classification (germline): Uncertain significance (1 of 4 stars; one submission).

Submission:

Labcorp Genetics (formerly Invitae), Labcorp
Classification: Uncertain significance. Last evaluated: 2025-09-02. Review status: criteria provided, single submitter. Criteria: Invitae Variant Classification Sherloc (09022015). Collection method: clinical testing. Allele origin: germline.
Comment: This sequence change replaces serine, which is neutral and polar, with proline, which is neutral and non-polar, at codon 503 of the RIMS1 protein (p.Ser503Pro). This variant is not present in population databases (gnomAD no frequency). This variant has not been reported in the literature in individuals affected with RIMS1-related conditions. ClinVar contains an entry for this variant (Variation ID: 1463325). An algorithm developed to predict the effect of missense changes on protein structure and function (PolyPhen-2) suggests that this variant is likely to be disruptive. In summary, the available evidence is currently insufficient to determine the role of this variant in disease. Therefore, it has been classified as a Variant of Uncertain Significance.

NM_014989.7(RIMS1):c.1507T>C (p.Ser503Pro)

Gene: RIMS1 (regulating synaptic membrane exocytosis 1; plus strand). Cytogenetic location: 6q13.
Variant type: single nucleotide variant.
Coding change: c.1507T>C on transcript NM_014989.7 (MANE Select); coding-DNA position 1507, T replaced by C.
Protein change: p.Ser503Pro; replaces serine 503 with proline.
Molecular consequence: missense variant.
Genome position (GRCh38, 1-based): chr6:72,182,978, T>C. VCF-style: chr6-72182978-T-C. GRCh37 (hg19) VCF-style: chr6-72892681-T-C.
Other names: short protein forms S503P.
Identifiers: ClinVar variation 1463325 (VCV001463325.6), dbSNP rs2153970683, ClinGen allele CA364821711.